The following is an entry in ClinVar:

ClinVar aggregate classification (germline): Uncertain significance. Review status: criteria provided, multiple submitters, no conflicts (2 of 4 stars). 2 submissions from 2 submitters: Uncertain significance (2). Last evaluated 2023-07-27.

Conditions:
Developmental and epileptic encephalopathy, 1 (DEE1). Also called: X-linked infantile spasms; West's syndrome; Tonic spasms with clustering, arrest of psychomotor development and hypsarrhythmia on EEG; X-Linked Infantile Spasm Syndrome; OHTAHARA SYNDROME, X-LINKED; INFANTILE SPASM SYNDROME, X-LINKED 1. Identifiers: MedGen C3463992, MONDO:0010632, OMIM 308350. Disease mechanism: loss of function.
Autosomal recessive spinocerebellar ataxia 12. Also called: SPINOCEREBELLAR ATAXIA WITH MENTAL RETARDATION AND EPILEPSY. Identifiers: Orphanet 284282, MedGen C3280452, MONDO:0013687, OMIM 614322.

gnomAD v4.1: 7 of 1,614,032 alleles (0.00043%); highest among the groups gnomAD compares: African/African-American, 0.008%; no homozygotes.

Submissions (2):

GeneDx
Classification: Uncertain significance. Last evaluated: 2023-07-27. Review status: criteria provided, single submitter. Criteria: GeneDx Variant Classification Process June 2021. Collection method: clinical testing. Allele origin: germline. Affected: yes.
Comment: Not observed at significant frequency in large population cohorts (gnomAD); In silico analysis supports that this missense variant has a deleterious effect on protein structure/function; Has not been previously published as pathogenic or benign to our knowledge; This variant is associated with the following publications: (PMID: 25411445)

Labcorp Genetics (formerly Invitae), Labcorp
Classification: Uncertain significance for Developmental and epileptic encephalopathy, 1; Autosomal recessive spinocerebellar ataxia 12. Last evaluated: 2021-09-15. Review status: criteria provided, single submitter. Criteria: Invitae Variant Classification Sherloc (09022015). Collection method: clinical testing. Allele origin: germline.
Comment: This sequence change replaces alanine with proline at codon 292 of the WWOX protein (p.Ala292Pro). The alanine residue is highly conserved and there is a small physicochemical difference between alanine and proline. This variant is present in population databases (rs376560613, ExAC 0.01%). This variant has not been reported in the literature in individuals affected with WWOX-related conditions. ClinVar contains an entry for this variant (Variation ID: 1039482). Algorithms developed to predict the effect of missense changes on protein structure and function are either unavailable or do not agree on the potential impact of this missense change (SIFT: "Not Available"; PolyPhen-2: "Probably Damaging"; Align-GVGD: "Not Available"). In summary, the available evidence is currently insufficient to determine the role of this variant in disease. Therefore, it has been classified as a Variant of Uncertain Significance.

NM_016373.4(WWOX):c.874G>C (p.Ala292Pro)

Gene: WWOX (WW domain containing oxidoreductase; plus strand). Cytogenetic location: 16q23.1.
Variant type: single nucleotide variant.
Coding change: c.874G>C on transcript NM_016373.4 (MANE Select); coding-DNA position 874, G replaced by C.
Protein change: p.Ala292Pro; replaces alanine 292 with proline.
Molecular consequence: missense variant.
Genome position (GRCh38, 1-based): chr16:78,432,570, G>C. VCF-style: chr16-78432570-G-C. GRCh37 (hg19) VCF-style: chr16-78466467-G-C.
Other names: c.535G>C, p.Ala179Pro (NM_001291997.2); c.874G>C (NM_016373.2); short protein forms A179P, A292P.
Identifiers: ClinVar variation 1039482 (VCV001039482.5), dbSNP rs376560613, ClinGen allele CA8183529.